The following is an entry in ClinVar:

NM_000612.6(IGF2):c.173G>A (p.Arg58His)

Genes: IGF2 (insulin like growth factor 2; minus strand), INS-IGF2 (INS-IGF2 readthrough; minus strand). Cytogenetic location: 11p15.5.
Variant type: single nucleotide variant.
Coding change: c.173G>A on transcript NM_000612.6 (MANE Select); coding-DNA position 173, G replaced by A.
Protein change: p.Arg58His; replaces arginine 58 with histidine.
Molecular consequence: missense variant. On other transcripts: non-coding transcript variant (1).
Genome position (GRCh38, 1-based): chr11:2,133,650, C>T on the plus strand (G>A on the coding strand, the complement: IGF2 is on the minus strand). VCF-style: chr11-2133650-C-T. GRCh37 (hg19) VCF-style: chr11-2154880-C-T.
Other names: c.173G>A, p.Arg58His (NM_001007139.6, NM_001291861.3, NM_001291862.3); c.341G>A, p.Arg114His (NM_001127598.3); short protein forms R114H, R58H.
Identifiers: ClinVar variation 4853306 (VCV004853306.1).

ClinVar aggregate classification (germline): Uncertain significance (1 of 4 stars; one submission).

gnomAD v4.1: 5 of 1,612,954 alleles (0.00031%); highest among the groups gnomAD compares: Non-Finnish European, 0.00042%; no homozygotes.

Submission:

Women's Health and Genetics/Laboratory Corporation of America, LabCorp
Classification: Uncertain significance. Last evaluated: 2026-05-11. Review status: criteria provided, single submitter. Criteria: LabCorp Variant Classification Summary - May 2015. Collection method: clinical testing. Allele origin: germline.
Comment: Variant summary: IGF2 c.173G>A (p.Arg58His) results in a non-conservative amino acid change in the encoded protein sequence. Algorithms developed to predict the effect of missense changes on protein structure and function all suggest that this variant is likely to be disruptive. The variant was absent in 245934 control chromosomes. The available data on variant occurrences in the general population are insufficient to allow any conclusion about variant significance. To our knowledge, no occurrence of c.173G>A in individuals affected with IGF2-related conditions and no experimental evidence demonstrating its impact on protein function have been reported. No submitters have cited clinical-significance assessments for this variant to ClinVar. Based on the evidence outlined above, the variant was classified as uncertain significance.